The following is an entry in ClinVar:

NM_002076.4(GNS):c.968A>G (p.Tyr323Cys)

Gene: GNS (glucosamine (N-acetyl)-6-sulfatase; minus strand). Cytogenetic location: 12q14.3.
Variant type: single nucleotide variant.
Coding change: c.968A>G on transcript NM_002076.4 (MANE Select); coding-DNA position 968, A replaced by G.
Protein change: p.Tyr323Cys; replaces tyrosine 323 with cysteine.
Molecular consequence: missense variant.
Genome position (GRCh38, 1-based): chr12:64,739,407, T>C on the plus strand (A>G on the coding strand, the complement: GNS is on the minus strand). VCF-style: chr12-64739407-T-C. GRCh37 (hg19) VCF-style: chr12-65133187-T-C.
Other names: short protein forms Y323C.
Identifiers: ClinVar variation 850328 (VCV000850328.7), dbSNP rs888774422, ClinGen allele CA238287100.

ClinVar aggregate classification (germline): Uncertain significance. Review status: criteria provided, single submitter (1 of 4 stars). 2 submissions from 2 submitters: Uncertain significance (1). 1 of the submissions does not count toward it. Last evaluated 2022-07-03.

Conditions:
Sanfilippo syndrome. Also called: Mucopolysaccharidosis type 3; Mucopolysaccharidosis Type III; Sanfilippo disease. Identifiers: Orphanet 581, MedGen C0026706, MONDO:0018937.
Mucopolysaccharidosis, MPS-III-D (MPS3D). Also called: SANFILIPPO SYNDROME D; MPS III D; Mucopoly-saccharidosis type 3D; N-acetylglucosamine-6-sulfate sulfatase deficiency; MPS 3D; N-ACETYLGLUCOSAMINE-6-SULFATASE DEFICIENCY. Identifiers: Orphanet 581, Orphanet 79272, MedGen C0086650, MONDO:0009658, OMIM 252940.

Allele frequency attached by ClinVar (database versions not stated): gnomAD 0.00004; TOPMed 0.00007; gnomAD exomes 0.00001.
gnomAD v4.1: 21 of 1,570,938 alleles (0.0013%); highest among the groups gnomAD compares: Admixed American, 0.005%; no homozygotes.

Submissions (2):

Labcorp Genetics (formerly Invitae), Labcorp
Classification: Uncertain significance for Mucopolysaccharidosis, MPS-III-D. Last evaluated: 2022-07-03. Review status: criteria provided, single submitter. Criteria: Invitae Variant Classification Sherloc (09022015). Collection method: clinical testing. Allele origin: germline.
Comment: This sequence change replaces tyrosine, which is neutral and polar, with cysteine, which is neutral and slightly polar, at codon 323 of the GNS protein (p.Tyr323Cys). This variant is present in population databases (no rsID available, gnomAD 0.006%). This variant has not been reported in the literature in individuals affected with GNS-related conditions. ClinVar contains an entry for this variant (Variation ID: 850328). Algorithms developed to predict the effect of missense changes on protein structure and function (SIFT, PolyPhen-2, Align-GVGD) all suggest that this variant is likely to be disruptive. In summary, the available evidence is currently insufficient to determine the role of this variant in disease. Therefore, it has been classified as a Variant of Uncertain Significance.

Natera, Inc.
Classification: Uncertain significance for Sanfilippo disease. Last evaluated: 2020-09-16. Review status: no assertion criteria provided. Collection method: clinical testing. Allele origin: germline. Not counted in ClinVar's aggregate classification.